The following is an entry in ClinVar:

NM_025137.4(SPG11):c.4755A>C (p.Ala1585=)

Gene: SPG11 (SPG11 vesicle trafficking associated, spatacsin; minus strand). Cytogenetic location: 15q21.1.
Variant type: single nucleotide variant.
Coding change: c.4755A>C on transcript NM_025137.4 (MANE Select); coding-DNA position 4755, A replaced by C.
Protein change: p.Ala1585=; no amino-acid change (alanine 1585 retained).
Molecular consequence: synonymous variant.
Genome position (GRCh38, 1-based): chr15:44,589,403, T>G on the plus strand (A>C on the coding strand, the complement: SPG11 is on the minus strand). VCF-style: chr15-44589403-T-G. GRCh37 (hg19) VCF-style: chr15-44881601-T-G.
Other names: p.Ala1585=; c.4755A>C, p.Ala1585= (NM_001160227.2).
Identifiers: ClinVar variation 466533 (VCV000466533.44), dbSNP rs144951661, ClinGen allele CA7534584.

ClinVar aggregate classification (germline): Conflicting classifications of pathogenicity. Review status: criteria provided, conflicting classifications (1 of 4 stars). 8 submissions from 8 submitters: Uncertain significance (1); Benign (1); Likely benign (5). 1 of the submissions does not count toward it. Last evaluated 2026-08-01.

Conditions:
Inborn genetic diseases. Identifiers: MedGen C0950123, MeSH D030342.
SPG11-related disorder. Also called: SPG11-related condition.
Hereditary spastic paraplegia 11. Also called: Spastic paraplegia, mental retardation and thin corpus callosum; Spastic Paraplegia 11; Nakamura Osame syndrome; Autosomal recessive hereditary spastic paraplegia, mental impairment, and thin corpus callosum; SPASTIC PARAPLEGIA, AUTOSOMAL RECESSIVE, COMPLICATED, WITH THIN CORPUS CALLOSUM; SPASTIC PARAPLEGIA, AUTOSOMAL RECESSIVE, WITH MENTAL IMPAIRMENT AND THIN CORPUS CALLOSUM. Identifiers: Orphanet 2822, MedGen C1858479, MONDO:0011445, OMIM 604360.

Allele frequency attached by ClinVar (database versions not stated): gnomAD exomes 0.00013 and 0.00049; ExAC 0.00050; 1000 Genomes Project 0.00060; 1000 Genomes Project 30x 0.00062; gnomAD 0.00078 and 0.00083; ESP Exome Variant Server 0.00092; TOPMed 0.00095.

Submissions (8):

CeGaT Center for Human Genetics Tuebingen
Classification: Likely benign. Last evaluated: 2026-08-01. Review status: criteria provided, single submitter. Criteria: CeGaT Center For Human Genetics Tuebingen Variant Classification Criteria Version 2. Collection method: clinical testing. Allele origin: germline. Affected: yes. Observed: 2 variant alleles.
Comment: SPG11: BP4, BP7

Labcorp Genetics (formerly Invitae), Labcorp
Classification: Benign for Hereditary spastic paraplegia 11. Last evaluated: 2026-01-02. Review status: criteria provided, single submitter. Criteria: Invitae Variant Classification Sherloc (09022015). Collection method: clinical testing. Allele origin: germline.

Mayo Clinic Laboratories, Mayo Clinic
Classification: Likely benign. Last evaluated: 2025-03-04. Review status: criteria provided, single submitter. Criteria: ACMG Guidelines, 2015. Collection method: clinical testing. Allele origin: germline. Observed: 2 variant alleles.
Comment: BS1, BP4, BP7

Women's Health and Genetics/Laboratory Corporation of America, LabCorp
Classification: Likely benign. Last evaluated: 2024-11-27. Review status: criteria provided, single submitter. Criteria: LabCorp Variant Classification Summary - May 2015. Collection method: clinical testing. Allele origin: germline.

Blueprint Genetics
Classification: Likely benign. Last evaluated: 2024-02-13. Review status: criteria provided, single submitter. Criteria: ACMG Guidelines, 2015. Collection method: clinical testing. Allele origin: germline.

Ambry Genetics
Classification: Likely benign for Inborn genetic diseases. Last evaluated: 2019-07-11. Review status: criteria provided, single submitter. Criteria: Ambry Variant Classification Scheme 2023. Collection method: clinical testing. Allele origin: germline.

Illumina Laboratory Services, Illumina
Classification: Uncertain significance for Hereditary spastic paraplegia 11. Last evaluated: 2018-01-12. Review status: criteria provided, single submitter. Criteria: ICSL Variant Classification Criteria 13 December 2019. Collection method: clinical testing. Allele origin: germline.

PreventionGenetics, part of Exact Sciences
Classification: Likely benign for SPG11-related condition. Last evaluated: 2019-06-17. Review status: no assertion criteria provided. Collection method: clinical testing. Allele origin: germline. Not counted in ClinVar's aggregate classification.
Comment: This variant is classified as likely benign based on ACMG/AMP sequence variant interpretation guidelines (Richards et al. 2015 PMID: 25741868, with internal and published modifications).